The following is an entry in ClinVar:

ClinVar aggregate classification (germline): Likely benign. Review status: criteria provided, single submitter (1 of 4 stars). 2 submissions from 2 submitters: Likely benign (1). 1 of the submissions does not count toward it. Last evaluated 2024-06-12.

Conditions:
IGSF3-related disorder. Also called: IGSF3-related condition.

Allele frequency attached by ClinVar (database versions not stated): 1000 Genomes Project 30x 0.00031; 1000 Genomes Project 0.00040.
gnomAD v4.1: 184 of 1,614,160 alleles (0.011%); highest among the groups gnomAD compares: East Asian, 0.39%; 1 homozygote.

Submissions (2):

Blueprint Genetics
Classification: Likely benign. Last evaluated: 2024-06-12. Review status: criteria provided, single submitter. Criteria: ACMG Guidelines, 2015. Collection method: clinical testing. Allele origin: germline.

PreventionGenetics, part of Exact Sciences
Classification: Likely benign for IGSF3-related condition. Last evaluated: 2019-03-29. Review status: no assertion criteria provided. Collection method: clinical testing. Allele origin: germline. Not counted in ClinVar's aggregate classification.
Comment: This variant is classified as likely benign based on ACMG/AMP sequence variant interpretation guidelines (Richards et al. 2015 PMID: 25741868, with internal and published modifications).

NM_001007237.3(IGSF3):c.2814C>G (p.Thr938=)

Gene: IGSF3 (immunoglobulin superfamily member 3; minus strand). Cytogenetic location: 1p13.1.
Variant type: single nucleotide variant.
Coding change: c.2814C>G on transcript NM_001007237.3 (MANE Select); coding-DNA position 2814, C replaced by G.
Protein change: p.Thr938=; no amino-acid change (threonine 938 retained).
Molecular consequence: synonymous variant.
Genome position (GRCh38, 1-based): chr1:116,584,679, G>C on the plus strand (C>G on the coding strand, the complement: IGSF3 is on the minus strand). VCF-style: chr1-116584679-G-C. GRCh37 (hg19) VCF-style: chr1-117127301-G-C.
Other names: c.2874C>G, p.Thr958= (NM_001542.4).
Identifiers: ClinVar variation 3049509 (VCV003049509.3), dbSNP rs201362284, ClinGen allele CA1026178.